The following is an entry in ClinVar:

NM_007294.4(BRCA1):c.5554_5555del (p.Thr1852fs)

Gene: BRCA1 (BRCA1 DNA repair associated; minus strand). Cytogenetic location: 17q21.31.
Variant type: Microsatellite.
Coding change: c.5554_5555del on transcript NM_007294.4 (MANE Select); coding-DNA positions 5554 to 5555, 2 bases deleted (AC; older notation c.5554_5555delAC).
Protein change: p.Thr1852fs; shifts the reading frame from threonine 1852.
Molecular consequence: frameshift variant. On other transcripts: 3 prime UTR variant (1), non-coding transcript variant (1).
Genome position (GRCh38, 1-based): chr17:43,045,715-43,045,716, GT deleted on the plus strand (AC on the coding strand, the reverse complement: BRCA1 is on the minus strand); deleting any 2 consecutive bases within chr17:43,045,715-43,045,718 gives the same sequence; the c. name uses the placement nearest the transcript's 3' end. VCF-style (leftmost placement, unchanged base first): chr17-43045714-GGT-G. GRCh37 (hg19) VCF-style: chr17-41197731-GGT-G.
Other names: c.5554_5555delAC (NM_007294.3); c.5336_5337AC[1], p.Thr1780Leufs (NM_001407916.1, NM_001407917.1, NM_001407918.1 and 1 more transcripts); c.5300_5301AC[1], p.Thr1768Leufs (NM_001407919.1); c.5288_5289AC[1], p.Thr1764Leufs (NM_001407920.1, NM_001407921.1, NM_001407922.1 and 4 more transcripts); c.5285_5286AC[1], p.Thr1763Leufs (NM_001407927.1, NM_001407928.1, NM_001407929.1 and 4 more transcripts); c.5282_5283AC[1], p.Thr1762Leufs (NM_001407934.1, NM_001407935.1, NM_001407936.1); c.*66_*67AC[1] (NM_001407937.1, NM_001407938.1, NM_001407939.1 and 13 more transcripts); c.5219_5220AC[1], p.Thr1741Leufs (NM_001407946.1, NM_001407947.1, NM_001407948.1 and 1 more transcripts); and 78 more; short protein forms T1852fs, T1805fs, T748fs, T1873fs.
Identifiers: ClinVar variation 855160 (VCV000855160.12), dbSNP rs2050861886, ClinGen allele CA916080701.
Genomic context (GRCh38, chr17:43,045,714, plus strand): 5'-CTCTGTACCTGTGGCTGGCTGCAGTCAGTAGTGGCTGTGGGGGATCTGGGGTATCAGGTA[GGT>G]GTCCAGCTCCTGGCACTGGTAGAGTGCTACACTGTCCAACACCCACTCTCGGGTCACCAC-3'

ClinVar aggregate classification (germline): Pathogenic/Likely pathogenic. Review status: criteria provided, multiple submitters, no conflicts (2 of 4 stars). 2 submissions from 2 submitters: Pathogenic (1); Likely pathogenic (1). Last evaluated 2025-07-09.

Conditions:
Hereditary breast ovarian cancer syndrome. Also called: Hereditary breast and/or ovarian cancer syndrome; BRCA1- and BRCA2-Associated Hereditary Breast and Ovarian Cancer; Hereditary breast and ovarian cancer syndrome; Hereditary breast and ovarian cancer; Hereditary breast and ovarian cancer syndrome (HBOC); Breast and ovarian cancer. Identifiers: Orphanet 145, MedGen C0677776, MeSH D061325, MONDO:0003582. Disease mechanism: loss of function.
Breast-ovarian cancer, familial, susceptibility to, 1 (BROVCA1). Also called: BRCA1 Hereditary Breast and Ovarian Cancer; OVARIAN CANCER, SUSCEPTIBILITY TO. Identifiers: Orphanet 145, MedGen C2676676, MONDO:0011450, OMIM 604370. Disease mechanism: loss of function.

Submissions (2):

Myriad Genetics, Inc.
Classification: Likely pathogenic for Breast-ovarian cancer, familial, susceptibility to, 1. Last evaluated: 2025-07-09. Review status: criteria provided, single submitter. Criteria: Myriad Autosomal Dominant, Autosomal Recessive and X-Linked Classification Criteria (2023). Collection method: clinical testing. Allele origin: unknown.
Comment: This variant is considered likely pathogenic. This variant creates a frameshift predicted to result in the incorporation of abnormal amino acid sequence into the protein product and abnormal protein elongation.

Labcorp Genetics (formerly Invitae), Labcorp
Classification: Pathogenic for Hereditary breast ovarian cancer syndrome. Last evaluated: 2019-01-09. Review status: criteria provided, single submitter. Criteria: Invitae Variant Classification Sherloc (09022015). Collection method: clinical testing. Allele origin: germline.
Comment: This variant disrupts the C-terminal end of the BRCA1 protein partially including the BRCT domain (residues 1646-1859), which is important for DNA repair activity (PMID: 11573086, 14576433, 15133503, 25652403). While functional studies have not been performed to directly test the effect on BRCA1 protein function, this suggests that disruption of the C-terminal portion of the protein is functionally important. A different truncation (p.Tyr1853*) that lies downstream of this variant has been determined to be pathogenic (PMID: 21922593, 10811118, 11739404, 12400015, 7894493, Invitae). This suggests that variants that disrupt this region of the protein are likely to be causative of disease. For these reasons, this variant has been classified as Pathogenic. This variant has not been reported in the literature in individuals with BRCA1-related disease. This variant is not present in population databases (ExAC no frequency). This sequence change results in a frameshift in the BRCA1 gene (p.Thr1852Leufs*27). While this is not anticipated to result in nonsense mediated decay, it is expected to disrupt the last 12 amino acids of the BRCA1 protein and extend the protein by additional 14 amino acids.

Literature cited by the submitters: PubMed 11573086 (cited by Labcorp Genetics (formerly Invitae), Labcorp); PubMed 14576433 (cited by Labcorp Genetics (formerly Invitae), Labcorp); PubMed 15133503 (cited by Labcorp Genetics (formerly Invitae), Labcorp); PubMed 25652403 (cited by Labcorp Genetics (formerly Invitae), Labcorp); PubMed 21922593 (cited by Labcorp Genetics (formerly Invitae), Labcorp); PubMed 10811118 (cited by Labcorp Genetics (formerly Invitae), Labcorp); PubMed 11739404 (cited by Labcorp Genetics (formerly Invitae), Labcorp); PubMed 12400015 (cited by Labcorp Genetics (formerly Invitae), Labcorp); PubMed 7894493 (cited by Labcorp Genetics (formerly Invitae), Labcorp).